The following is an entry in ClinVar:

NM_003238.6(TGFB2):c.440_442del (p.Ala147del)

Gene: TGFB2 (transforming growth factor beta 2; plus strand). Cytogenetic location: 1q41.
Variant type: Deletion.
Coding change: c.440_442del on transcript NM_003238.6 (MANE Select); coding-DNA positions 440 to 442, 3 bases deleted (CAG; older notation c.440_442delCAG).
Protein change: p.Ala147del; deletes alanine 147.
Molecular consequence: inframe deletion. On other transcripts: non-coding transcript variant (2).
Genome position (GRCh38, 1-based): chr1:218,405,262-218,405,264, CAG deleted; deleting any 3 consecutive bases within chr1:218,405,260-218,405,264 gives the same sequence; the c. name uses the placement nearest the transcript's 3' end. VCF-style (leftmost placement, unchanged base first): chr1-218405259-AAGC-A. GRCh37 (hg19) VCF-style: chr1-218578601-AAGC-A.
Other names: c.524_526del, p.Ala175del (NM_001135599.4); short protein forms A175del, A147del.
Identifiers: ClinVar variation 2586619 (VCV002586619.4), dbSNP rs2464757951, ClinGen allele CA2582342433.

ClinVar aggregate classification (germline): Uncertain significance. Review status: criteria provided, multiple submitters, no conflicts (2 of 4 stars). 2 submissions from 2 submitters: Uncertain significance (2). Last evaluated 2025-12-01.

Conditions:
Loeys-Dietz syndrome 4 (LDS4). Also called: ANEURYSM, AORTIC AND CEREBRAL, WITH ARTERIAL TORTUOSITY AND SKELETAL MANIFESTATIONS; TGFB2-Related Loeys-Dietz Syndrome. Identifiers: MedGen C3553762, MONDO:0013897, OMIM 614816.
Familial thoracic aortic aneurysm and aortic dissection (TAAD). Also called: Thoracic aortic aneurysms and dissections. Identifiers: Orphanet 91387, MedGen C4707243, MONDO:0019625.

Submissions (2):

Labcorp Genetics (formerly Invitae), Labcorp
Classification: Uncertain significance for Loeys-Dietz syndrome 4. Last evaluated: 2025-12-01. Review status: criteria provided, single submitter. Criteria: Invitae Variant Classification Sherloc (09022015). Collection method: clinical testing. Allele origin: germline.
Comment: This variant, c.440_442del, results in the deletion of 1 amino acid(s) of the TGFB2 protein (p.Ala147del), but otherwise preserves the integrity of the reading frame. This variant is not present in population databases (gnomAD no frequency). This variant has not been reported in the literature in individuals affected with TGFB2-related conditions. ClinVar contains an entry for this variant (Variation ID: 2586619). Experimental studies and prediction algorithms are not available or were not evaluated, and the functional significance of this variant is currently unknown. In summary, the available evidence is currently insufficient to determine the role of this variant in disease. Therefore, it has been classified as a Variant of Uncertain Significance.

Ambry Genetics
Classification: Uncertain significance for Familial thoracic aortic aneurysm and aortic dissection. Last evaluated: 2025-07-10. Review status: criteria provided, single submitter. Criteria: Ambry Variant Classification Scheme 2023. Collection method: clinical testing. Allele origin: germline.
Comment: The c.440_442delCAG variant (also known as p.A147del) is located in coding exon 2 of the TGFB2 gene. This variant results from an in-frame CAG deletion at nucleotide positions 440 to 442. This results in the in-frame deletion of an alanine at codon 147. This amino acid position is highly conserved in available vertebrate species. In addition, this alteration is predicted to be deleterious by in silico analysis (Choi Y et al. PLoS ONE. 2012; 7(10):e46688). Since supporting evidence is limited at this time, the clinical significance of this alteration remains unclear.